The following is an entry in ClinVar:

NM_001128840.3(CACNA1D):c.5180C>T (p.Pro1727Leu)

Gene: CACNA1D (calcium voltage-gated channel subunit alpha1 D; plus strand). Cytogenetic location: 3p21.1.
Variant type: single nucleotide variant.
Coding change: c.5180C>T on transcript NM_001128840.3 (MANE Select); coding-DNA position 5180, C replaced by T.
Protein change: p.Pro1727Leu; replaces proline 1727 with leucine.
Molecular consequence: missense variant.
Genome position (GRCh38, 1-based): chr3:53,801,197, C>T. VCF-style: chr3-53801197-C-T. GRCh37 (hg19) VCF-style: chr3-53835224-C-T.
Other names: c.5240C>T, p.Pro1747Leu (NM_000720.4); c.5135C>T, p.Pro1712Leu (NM_001128839.3); short protein forms P1747L, P1712L, P1727L.
Identifiers: ClinVar variation 2963924 (VCV002963924.3), dbSNP rs775837923, ClinGen allele CA2455086.

ClinVar aggregate classification (germline): Uncertain significance (1 of 4 stars; one submission).

Allele frequency attached by ClinVar (database versions not stated): gnomAD 0.00001; gnomAD exomes 0.00001; ExAC 0.00003.
gnomAD v4.1: 5 of 1,613,874 alleles (0.00031%); highest among the groups gnomAD compares: South Asian, 0.0022%; no homozygotes.

Submission:

Labcorp Genetics (formerly Invitae), Labcorp
Classification: Uncertain significance. Last evaluated: 2023-09-10. Review status: criteria provided, single submitter. Criteria: Invitae Variant Classification Sherloc (09022015). Collection method: clinical testing. Allele origin: germline.
Comment: An algorithm developed to predict the effect of missense changes on protein structure and function (PolyPhen-2) suggests that this variant is likely to be tolerated. This variant has not been reported in the literature in individuals affected with CACNA1D-related conditions. This variant is present in population databases (rs775837923, gnomAD 0.006%). This sequence change replaces proline, which is neutral and non-polar, with leucine, which is neutral and non-polar, at codon 1747 of the CACNA1D protein (p.Pro1747Leu). In summary, the available evidence is currently insufficient to determine the role of this variant in disease. Therefore, it has been classified as a Variant of Uncertain Significance.